The following is an entry in ClinVar:

NM_138691.3(TMC1):c.339G>A (p.Met113Ile)

Gene: TMC1 (transmembrane channel like 1; plus strand). Cytogenetic location: 9q21.13.
Variant type: single nucleotide variant.
Coding change: c.339G>A on transcript NM_138691.3 (MANE Select); coding-DNA position 339, G replaced by A.
Protein change: p.Met113Ile; replaces methionine 113 with isoleucine.
Molecular consequence: missense variant.
Genome position (GRCh38, 1-based): chr9:72,700,620, G>A. VCF-style: chr9-72700620-G-A. GRCh37 (hg19) VCF-style: chr9-75315536-G-A.
Other names: short protein forms M113I.
Identifiers: ClinVar variation 47871 (VCV000047871.14), dbSNP rs397517840, ClinGen allele CA142075.

ClinVar aggregate classification (germline): Uncertain significance. Review status: criteria provided, multiple submitters, no conflicts (2 of 4 stars). 6 submissions from 5 submitters: Uncertain significance (6). Last evaluated 2025-12-30.

Conditions:
TMC1-related disorder. Also called: TMC1-related disorders; TMC1-related condition.
Autosomal dominant nonsyndromic hearing loss 36. Identifiers: Orphanet 90635, MedGen C1847626, MONDO:0011708, OMIM 606705.
Autosomal recessive nonsyndromic hearing loss 7. Also called: DEAFNESS, AUTOSOMAL RECESSIVE 11. Identifiers: Orphanet 90636, MedGen C1832978, MONDO:0010967, OMIM 600974.

Allele frequency attached by ClinVar (database versions not stated): ExAC 0.00002; gnomAD exomes 0.00002 and 0.00008; TOPMed 0.00004; gnomAD 0.00006.

Submissions (6):

PreventionGenetics, part of Exact Sciences
Classification: Uncertain significance for TMC1-related condition. Last evaluated: 2025-12-30. Review status: criteria provided, single submitter. Criteria: ACMG Guidelines, 2015. Collection method: clinical testing. Allele origin: germline.
Comment: The TMC1 c.339G>A variant is predicted to result in the amino acid substitution p.Met113Ile. To our knowledge, this variant has not been reported in the literature. This variant is reported in 0.0054% of alleles in individuals of European (Non-Finnish) descent in gnomAD. At this time, the clinical significance of this variant is uncertain due to the absence of conclusive functional and genetic evidence.

Baylor Genetics
Classification: Uncertain significance for Autosomal dominant nonsyndromic hearing loss 36. Last evaluated: 2023-03-02. Review status: criteria provided, single submitter. Criteria: ACMG Guidelines, 2015. Collection method: clinical testing. Allele origin: unknown.

GeneDx
Classification: Uncertain significance. Last evaluated: 2020-12-19. Review status: criteria provided, single submitter. Criteria: GeneDx Variant Classification Process June 2021. Collection method: clinical testing. Allele origin: germline. Affected: yes.
Comment: In silico analysis, which includes protein predictors and evolutionary conservation, supports a deleterious effect; Has not been previously published as pathogenic or benign to our knowledge

Laboratory for Molecular Medicine, Mass General Brigham Personalized Medicine
Classification: Uncertain significance. Last evaluated: 2018-08-24. Review status: criteria provided, single submitter. Criteria: LMM Criteria. Collection method: clinical testing. Allele origin: germline. Observed: 2 variant alleles.
Comment: Computational prediction tools and conserva tion analysis do not provide strong support for or against an impact to the prot ein. In summary, the clinical significance of the p.Met113Ile variant is uncerta in. ACMG/AMP Criteria applied: PM2.

Illumina Laboratory Services, Illumina
Classification: Uncertain significance for Autosomal recessive nonsyndromic hearing loss 7. Last evaluated: 2017-04-27. Review status: criteria provided, single submitter. Criteria: ICSL Variant Classification Criteria 13 December 2019. Collection method: clinical testing. Allele origin: germline.

Illumina Laboratory Services, Illumina
Classification: Uncertain significance for Autosomal dominant nonsyndromic hearing loss 36. Last evaluated: 2017-04-27. Review status: criteria provided, single submitter. Criteria: ICSL Variant Classification Criteria 13 December 2019. Collection method: clinical testing. Allele origin: germline.